The following is an entry in ClinVar:

ClinVar aggregate classification (germline): Likely benign. Review status: criteria provided, multiple submitters, no conflicts (2 of 4 stars). 7 submissions from 7 submitters: Likely benign (4). 3 of the submissions do not count toward it. Last evaluated 2026-09-01.

Conditions:
ACTC1-related disorder. Also called: ACTC1-related condition.
Dilated cardiomyopathy 1R (CMD1R). Identifiers: Orphanet 154, Orphanet 54260, MedGen C3150681, MONDO:0013261, OMIM 613424.
Atrial septal defect 5 (ASD5). Identifiers: Orphanet 1478, MedGen C2748552, MONDO:0013011, OMIM 612794.
Hypertrophic cardiomyopathy 11. Also called: ACTC1-Related Familial Hypertrophic Cardiomyopathy. Identifiers: MedGen C2677506, MONDO:0012799, OMIM 612098.

Submissions (7):

CeGaT Center for Human Genetics Tuebingen
Classification: Likely benign. Last evaluated: 2026-09-01. Review status: criteria provided, single submitter. Criteria: CeGaT Center For Human Genetics Tuebingen Variant Classification Criteria Version 2. Collection method: clinical testing. Allele origin: germline. Affected: yes. Observed: 14 variant alleles.
Comment: ACTC1: BS2

Labcorp Genetics (formerly Invitae), Labcorp
Classification: Likely benign for Dilated cardiomyopathy 1R; Hypertrophic cardiomyopathy 11; Atrial septal defect 5. Last evaluated: 2026-02-04. Review status: criteria provided, single submitter. Criteria: Invitae Variant Classification Sherloc (09022015). Collection method: clinical testing. Allele origin: germline.

Women's Health and Genetics/Laboratory Corporation of America, LabCorp
Classification: Likely benign. Last evaluated: 2025-12-03. Review status: criteria provided, single submitter. Criteria: LabCorp Variant Classification Summary - May 2015. Collection method: clinical testing. Allele origin: germline.
Comment: Variant summary: ACTC1 c.809-26_809-13del14 alters a nucleotide located at a position not widely known to affect splicing. Consensus agreement among computation tools predict no significant impact on normal splicing. However, these predictions have yet to be confirmed by functional studies. The frequency data for this variant in gnomAD is considered unreliable, as metrics indicate poor data quality at this position. To our knowledge, no occurrence of c.809-26_809-13del14 in individuals affected with ACTC1-related conditions and no experimental evidence demonstrating its impact on protein function have been reported. ClinVar contains an entry for this variant (Variation ID: 917552). Based on the evidence outlined above, the variant was classified as likely benign.

Blueprint Genetics
Classification: Likely benign. Last evaluated: 2024-11-27. Review status: criteria provided, single submitter. Criteria: ACMG Guidelines, 2015. Collection method: clinical testing. Allele origin: germline.

PreventionGenetics, part of Exact Sciences
Classification: Likely benign for ACTC1-related condition. Last evaluated: 2021-05-05. Review status: no assertion criteria provided. Collection method: clinical testing. Allele origin: germline. Not counted in ClinVar's aggregate classification.
Comment: This variant is classified as likely benign based on ACMG/AMP sequence variant interpretation guidelines (Richards et al. 2015 PMID: 25741868, with internal and published modifications).

Genome Diagnostics Laboratory, University Medical Center Utrecht
Classification: Likely benign. Review status: no assertion criteria provided. Collection method: clinical testing. Allele origin: germline. Affected: yes. Study: VKGL Data-share Consensus. Not counted in ClinVar's aggregate classification.

Joint Genome Diagnostic Labs from Nijmegen and Maastricht, Radboudumc and MUMC+
Classification: Likely benign. Review status: no assertion criteria provided. Collection method: clinical testing. Allele origin: germline. Affected: yes. Study: VKGL Data-share Consensus. Not counted in ClinVar's aggregate classification.

NM_005159.5(ACTC1):c.809-58TG[16]

Genes: GJD2-DT (GJD2 divergent transcript; plus strand), ACTC1 (actin alpha cardiac muscle 1; minus strand). Cytogenetic location: 15q14.
Variant type: Microsatellite.
Coding change: c.809-58TG[16] on transcript NM_005159.5 (MANE Select); 16 copies in a row of the 2-base unit TG starting at c.809-58; the reference has 23 copies in a row; seven copies, 14 bases deleted.
Molecular consequence: intron variant.
Genome position (GRCh38, 1-based): chr15:34,791,308-34,791,321, CACACACACACACA deleted on the plus strand (TGTGTGTGTGTGTG on the coding strand, the reverse complement: ACTC1 is on the minus strand); deleting any 14 consecutive bases within chr15:34,791,308-34,791,353 gives the same sequence; the position shown is the placement nearest the transcript's 3' end. VCF-style (leftmost placement, unchanged base first): chr15-34791307-TCACACACACACACA-T. GRCh37 (hg19) VCF-style: chr15-35083508-TCACACACACACACA-T.
Other names: c.809-26_809-13del14 (NM_005159.5).
Identifiers: ClinVar variation 917552 (VCV000917552.40), dbSNP rs59431308, ClinGen allele CA712279165.
Genomic context (GRCh38, chr15:34,791,307, plus strand): 5'-TTCATGATGCTATTGTAAGTTGTTTCATGGATGCCAGCAGATTCCATACCTGGGAACGAG[TCACACACACACACA>T]CACACACACACACACACACACACACACACACATCACAGTGCATTCAGGTCAAGGTAGAGG-3'